The following is an entry in ClinVar:

ClinVar aggregate classification (germline): Uncertain significance (1 of 4 stars; one submission).

Conditions:
Primary ciliary dyskinesia. Also called: Ciliary dyskinesia. Identifiers: Orphanet 244, MedGen C0008780, MONDO:0016575, HP:0012265.

Allele frequency attached by ClinVar (database versions not stated): gnomAD exomes below 0.00001.
gnomAD v4.1: 1 of 1,211,007 alleles (0.000083%); highest among the groups gnomAD compares: Non-Finnish European, 0.00011%; no homozygotes.

Submission:

Labcorp Genetics (formerly Invitae), Labcorp
Classification: Uncertain significance for Primary ciliary dyskinesia. Last evaluated: 2024-10-25. Review status: criteria provided, single submitter. Criteria: Invitae Variant Classification Sherloc (09022015). Collection method: clinical testing. Allele origin: germline.
Comment: This sequence change replaces serine, which is neutral and polar, with proline, which is neutral and non-polar, at codon 461 of the RPGR protein (p.Ser461Pro). This variant is not present in population databases (gnomAD no frequency). This variant has not been reported in the literature in individuals affected with RPGR-related conditions. ClinVar contains an entry for this variant (Variation ID: 2187661). Invitae Evidence Modeling of protein sequence and biophysical properties (such as structural, functional, and spatial information, amino acid conservation, physicochemical variation, residue mobility, and thermodynamic stability) indicates that this missense variant is not expected to disrupt RPGR protein function with a negative predictive value of 95%. In summary, the available evidence is currently insufficient to determine the role of this variant in disease. Therefore, it has been classified as a Variant of Uncertain Significance.

NM_001034853.2(RPGR):c.1381T>C (p.Ser461Pro)

Gene: RPGR (retinitis pigmentosa GTPase regulator; minus strand). Cytogenetic location: Xp11.4.
Variant type: single nucleotide variant.
Coding change: c.1381T>C on transcript NM_001034853.2 (MANE Select); coding-DNA position 1381, T replaced by C.
Protein change: p.Ser461Pro; replaces serine 461 with proline.
Molecular consequence: missense variant. On other transcripts: non-coding transcript variant (6).
Genome position (GRCh38, 1-based): chrX:38,297,317, A>G on the plus strand (T>C on the coding strand, the complement: RPGR is on the minus strand). VCF-style: chrX-38297317-A-G. GRCh37 (hg19) VCF-style: chrX-38156570-A-G.
Other names: c.1381T>C, p.Ser461Pro (NM_000328.3, NM_001367247.1); c.1378T>C, p.Ser460Pro (NM_001367245.1, NM_001367249.1, NM_001367250.1); c.1195T>C, p.Ser399Pro (NM_001367246.1, NM_001367251.1); c.1411T>C, p.Ser471Pro (NM_001367248.1); short protein forms S460P, S471P, S461P, S399P.
Identifiers: ClinVar variation 2187661 (VCV002187661.3), dbSNP rs2067404561, ClinGen allele CA412739406.
Genomic context (GRCh38, chrX:38,297,317, plus strand): 5'-GAGAGCAGACAGAGTAGCAAATGTTACCTGGTTCCTCTGGCTGCATGAGGTCCTGTTCAG[A>G]TAAGACACTCTCTTGGAGGTTTCTCTCAGAACATCGTGGAAAGACTGAATTGGGGAGAAA-3'
Protein context (NP_001030025.1, residues 451-471): SERNLQESVL[Ser461Pro]EQDLMQPEEP